The following is an entry in ClinVar:

NM_001365951.3(KIF1B):c.1898G>A (p.Arg633His)

Gene: KIF1B (kinesin family member 1B; plus strand). Cytogenetic location: 1p36.22.
Variant type: single nucleotide variant.
Coding change: c.1898G>A on transcript NM_001365951.3 (MANE Select); coding-DNA position 1898, G replaced by A.
Protein change: p.Arg633His; replaces arginine 633 with histidine.
Molecular consequence: missense variant.
Genome position (GRCh38, 1-based): chr1:10,296,933, G>A. VCF-style: chr1-10296933-G-A. GRCh37 (hg19) VCF-style: chr1-10356991-G-A.
Other names: c.1898G>A, p.Arg633His (NM_001365952.1); c.1760G>A, p.Arg587His (NM_001365953.1, NM_015074.3, NM_183416.4); short protein forms R587H, R633H.
Identifiers: ClinVar variation 1779575 (VCV001779575.5), dbSNP rs1650295604, ClinGen allele CA338316702.

ClinVar aggregate classification (germline): Uncertain significance. Review status: criteria provided, multiple submitters, no conflicts (2 of 4 stars). 2 submissions from 2 submitters: Uncertain significance (2). Last evaluated 2025-06-20.

Conditions:
Charcot-Marie-Tooth disease type 2. Also called: Charcot-Marie-Tooth type 2. Identifiers: Orphanet 64746, MedGen C0270914, MONDO:0018993.

Allele frequency attached by ClinVar (database versions not stated): gnomAD exomes below 0.00001.
gnomAD v4.1: 2 of 1,613,934 alleles (0.00012%); highest among the groups gnomAD compares: Non-Finnish European, 0.00017%; no homozygotes.

Submissions (2):

Ambry Genetics
Classification: Uncertain significance. Last evaluated: 2025-06-20. Review status: criteria provided, single submitter. Criteria: Ambry Variant Classification Scheme 2023. Collection method: clinical testing. Allele origin: germline.
Comment: The p.R587H variant (also known as c.1760G>A), located in coding exon 18 of the KIF1B gene, results from a G to A substitution at nucleotide position 1760. The arginine at codon 587 is replaced by histidine, an amino acid with highly similar properties. This amino acid position is highly conserved in available vertebrate species. In addition, this alteration is predicted to be deleterious by in silico analysis. Based on the available evidence, the clinical significance of this variant remains unclear.

Labcorp Genetics (formerly Invitae), Labcorp
Classification: Uncertain significance for Charcot-Marie-Tooth disease type 2. Last evaluated: 2024-09-03. Review status: criteria provided, single submitter. Criteria: Invitae Variant Classification Sherloc (09022015). Collection method: clinical testing. Allele origin: germline.
Comment: This sequence change replaces arginine, which is basic and polar, with histidine, which is basic and polar, at codon 587 of the KIF1B protein (p.Arg587His). This variant is not present in population databases (gnomAD no frequency). This variant has not been reported in the literature in individuals affected with KIF1B-related conditions. ClinVar contains an entry for this variant (Variation ID: 1779575). Invitae Evidence Modeling of protein sequence and biophysical properties (such as structural, functional, and spatial information, amino acid conservation, physicochemical variation, residue mobility, and thermodynamic stability) indicates that this missense variant is expected to disrupt KIF1B protein function with a positive predictive value of 80%. In summary, the available evidence is currently insufficient to determine the role of this variant in disease. Therefore, it has been classified as a Variant of Uncertain Significance.